The following is an entry in ClinVar:

NM_144643.4(SCLT1):c.978A>C (p.Arg326Ser)

Gene: SCLT1 (sodium channel and clathrin linker 1; minus strand). Cytogenetic location: 4q28.2.
Variant type: single nucleotide variant.
Coding change: c.978A>C on transcript NM_144643.4 (MANE Select); coding-DNA position 978, A replaced by C.
Protein change: p.Arg326Ser; replaces arginine 326 with serine.
Molecular consequence: missense variant.
Genome position (GRCh38, 1-based): chr4:128,959,669, T>G on the plus strand (A>C on the coding strand, the complement: SCLT1 is on the minus strand). VCF-style: chr4-128959669-T-G. GRCh37 (hg19) VCF-style: chr4-129880824-T-G.
Other names: c.978A>C, p.Arg326Ser (NM_001410807.1); short protein forms R326S.
Identifiers: ClinVar variation 1933596 (VCV001933596.5), dbSNP rs2530449245, ClinGen allele CA358188725.

ClinVar aggregate classification (germline): Uncertain significance (1 of 4 stars; one submission).

Allele frequency attached by ClinVar (database versions not stated): gnomAD exomes below 0.00001.
gnomAD v4.1: 2 of 1,613,376 alleles (0.00012%); highest among the groups gnomAD compares: Non-Finnish European, 0.00017%; no homozygotes.

Submission:

Labcorp Genetics (formerly Invitae), Labcorp
Classification: Uncertain significance. Last evaluated: 2022-04-13. Review status: criteria provided, single submitter. Criteria: Invitae Variant Classification Sherloc (09022015). Collection method: clinical testing. Allele origin: germline.
Comment: Algorithms developed to predict the effect of missense changes on protein structure and function are either unavailable or do not agree on the potential impact of this missense change (SIFT: "Deleterious"; PolyPhen-2: "Benign"; Align-GVGD: "Class C35"). This variant has not been reported in the literature in individuals affected with SCLT1-related conditions. This variant is not present in population databases (gnomAD no frequency). This sequence change replaces arginine, which is basic and polar, with serine, which is neutral and polar, at codon 326 of the SCLT1 protein (p.Arg326Ser). In summary, the available evidence is currently insufficient to determine the role of this variant in disease. Therefore, it has been classified as a Variant of Uncertain Significance.